The following is an entry in ClinVar:

ClinVar aggregate classification (germline): Likely pathogenic (0 of 4 stars; one submission).

Conditions:
Complete atrioventricular canal-ventricle hypoplasia syndrome. Identifiers: Orphanet 99067, MedGen C5680290, MONDO:0020407.

Submission:

Center for Cardiovascular Research, The Research Institute, Nationwide Children's Hospital
Classification: Likely pathogenic for Complete atrioventricular canal-ventricle hypoplasia syndrome. Last evaluated: 2026-10-05. Review status: no assertion criteria provided. Collection method: research. Allele origin: de novo. Affected: yes.
Comment: This variant prevents the normal translation initiation by disrupting the start codon (Methionine). This variant is inherited in de novo and is absent from the gnomAD population database.

NM_001527.4(HDAC2):c.2T>A (p.Met1Lys)

Genes: HDAC2 (histone deacetylase 2; minus strand), HDAC2-AS2 (HDAC2 and HS3ST5 antisense RNA 2; plus strand). Cytogenetic location: 6q21.
Variant type: single nucleotide variant.
Coding change: c.2T>A on transcript NM_001527.4 (MANE Select); coding-DNA position 2, T replaced by A.
Protein change: p.Met1Lys; changes the start codon (methionine 1).
Molecular consequence: missense variant, initiator codon variant. On other transcripts: non-coding transcript variant (1).
Genome position (GRCh38, 1-based): chr6:113,970,907, A>T on the plus strand (T>A on the coding strand, the complement: HDAC2 is on the minus strand). VCF-style: chr6-113970907-A-T. GRCh37 (hg19) VCF-style: chr6-114292071-A-T.
Other names: short protein forms M1K.
Identifiers: ClinVar variation 5038052 (VCV005038052.1).